The following is an entry in ClinVar:

NM_006739.4(MCM5):c.227A>T (p.Asp76Val)

Gene: MCM5 (minichromosome maintenance complex component 5; plus strand). Cytogenetic location: 22q12.3.
Variant type: single nucleotide variant.
Coding change: c.227A>T on transcript NM_006739.4 (MANE Select); coding-DNA position 227, A replaced by T.
Protein change: p.Asp76Val; replaces aspartic acid 76 with valine.
Molecular consequence: missense variant.
Genome position (GRCh38, 1-based): chr22:35,403,266, A>T. VCF-style: chr22-35403266-A-T. GRCh37 (hg19) VCF-style: chr22-35799259-A-T.
Other names: short protein forms D76V.
Identifiers: ClinVar variation 1718414 (VCV001718414.5), dbSNP rs756691015, ClinGen allele CA10204958.

ClinVar aggregate classification (germline): Uncertain significance (1 of 4 stars; one submission).

Allele frequency attached by ClinVar (database versions not stated): gnomAD exomes below 0.00001; ExAC 0.00001.
gnomAD v4.1: 2 of 1,614,054 alleles (0.00012%); highest among the groups gnomAD compares: East Asian, 0.0022%; no homozygotes.

Submission:

Labcorp Genetics (formerly Invitae), Labcorp
Classification: Uncertain significance. Last evaluated: 2024-11-06. Review status: criteria provided, single submitter. Criteria: Invitae Variant Classification Sherloc (09022015). Collection method: clinical testing. Allele origin: germline.
Comment: This sequence change replaces aspartic acid, which is acidic and polar, with valine, which is neutral and non-polar, at codon 76 of the MCM5 protein (p.Asp76Val). This variant is not present in population databases (gnomAD no frequency). This variant has not been reported in the literature in individuals affected with MCM5-related conditions. ClinVar contains an entry for this variant (Variation ID: 1718414). Invitae Evidence Modeling of protein sequence and biophysical properties (such as structural, functional, and spatial information, amino acid conservation, physicochemical variation, residue mobility, and thermodynamic stability) has been performed for this missense variant. However, the output from this modeling did not meet the statistical confidence thresholds required to predict the impact of this variant on MCM5 protein function. In summary, the available evidence is currently insufficient to determine the role of this variant in disease. Therefore, it has been classified as a Variant of Uncertain Significance.